The following is an entry in ClinVar:

ClinVar aggregate classification (germline): Uncertain significance. Review status: criteria provided, multiple submitters, no conflicts (2 of 4 stars). 2 submissions from 2 submitters: Uncertain significance (2). Last evaluated 2025-06-20.

Conditions:
TTN-related disorder. Also called: TTN-related condition; TTN-related disease; TTN-related disorders.

Submissions (2):

PreventionGenetics, part of Exact Sciences
Classification: Uncertain significance for TTN-related condition. Last evaluated: 2025-06-20. Review status: criteria provided, single submitter. Criteria: ACMG Guidelines, 2015. Collection method: clinical testing. Allele origin: germline.
Comment: The TTN c.49114T>C variant is predicted to result in the amino acid substitution p.Trp16372Arg. To our knowledge, this variant has not been reported in the literature or in a large population database, indicating this variant is rare. At this time, the clinical significance of this variant is uncertain due to the absence of conclusive functional and genetic evidence.

GeneDx
Classification: Uncertain significance. Last evaluated: 2013-01-03. Review status: criteria provided, single submitter. Criteria: GeneDx Variant Classification (06012015). Collection method: clinical testing. Allele origin: germline. Affected: yes.
Comment: Missense variants in the TTN gene are considered 'unclassified' if they are not previously reported in the literature and do not have >1% frequency in the population to be considered a polymorphism. Research indicates that truncating mutations in the TTN gene are expected to account for approximately 25% of familial and 18% of sporadic idiopathic DCM; however, truncating variants in the TTN gene have been reported in approximately 3% of reported control alleles. There has been little investigation into non-truncating variants. (Herman D et al. Truncations of titin causing dilated cardiomyopathy. N Eng J Med 366:619-628, 2012) The variant is found in DCM panel(s).

NM_001267550.2(TTN):c.49114T>C (p.Trp16372Arg)

Genes: TTN (titin; minus strand), TTN-AS1 (TTN antisense RNA 1; plus strand), LOC126806426 (BRD4-independent group 4 enhancer GRCh37_chr2:179478848-179480047; plus strand). Cytogenetic location: 2q31.2.
Variant type: single nucleotide variant.
Coding change: c.49114T>C on transcript NM_001267550.2 (MANE Select); coding-DNA position 49114, T replaced by C.
Protein change: p.Trp16372Arg; replaces tryptophan 16372 with arginine.
Molecular consequence: missense variant. On other transcripts: non-coding transcript variant (1).
Genome position (GRCh38, 1-based): chr2:178,614,283, A>G on the plus strand (T>C on the coding strand, the complement: TTN is on the minus strand). VCF-style: chr2-178614283-A-G. GRCh37 (hg19) VCF-style: chr2-179479010-A-G.
Other names: p.W14731R:TGG>CGG; c.44191T>C, p.Trp14731Arg (NM_001256850.1); c.21919T>C, p.Trp7307Arg (NM_003319.4); c.41410T>C, p.Trp13804Arg (NM_133378.4); c.22294T>C, p.Trp7432Arg (NM_133432.3); c.22495T>C, p.Trp7499Arg (NM_133437.4); short protein forms W14731R, W16372R, W7432R, W13804R, W7307R, W7499R.
Identifiers: ClinVar variation 202673 (VCV000202673.3), dbSNP rs794729445, ClinGen allele CA309941.
Genomic context (GRCh38, chr2:178,614,283, plus strand): 5'-CTCGTCTCTCCACAACATAGTTTGTGATCTTAGATCCACCATCATCGCGTGGTGGGTTCC[A>G]TGTTAGAAGACATGACTCATTGGTTACATCTGTGATGTCAAAGGCAGCTGGTGGTCCGGG-3'
Protein context (NP_001254479.2, residues 16362-16382): DVTNESCLLT[Trp16372Arg]NPPRDDGGSK